The following is an entry in ClinVar:

ClinVar aggregate classification (germline): Uncertain significance (1 of 4 stars; one submission).

Conditions:
Autosomal recessive limb-girdle muscular dystrophy type 2W (MDRCMTT). Also called: Muscular dystrophy, autosomal recessive, with cardiomyopathy and triangular tongue; Muscular dystrophy, limb-girdle, type 2W. Identifiers: MedGen C4225192, MONDO:0014788, OMIM 616827.

gnomAD v4.1: 1 of 1,607,948 alleles (0.000062%); no homozygotes.

Submission:

Labcorp Genetics (formerly Invitae), Labcorp
Classification: Uncertain significance for Autosomal recessive limb-girdle muscular dystrophy type 2W. Last evaluated: 2025-10-18. Review status: criteria provided, single submitter. Criteria: Invitae Variant Classification Sherloc (09022015). Collection method: clinical testing. Allele origin: germline.
Comment: This sequence change replaces isoleucine, which is neutral and non-polar, with phenylalanine, which is neutral and non-polar, at codon 219 of the LIMS2 protein (p.Ile219Phe). This variant is not present in population databases (gnomAD no frequency). This variant has not been reported in the literature in individuals affected with LIMS2-related conditions. ClinVar contains an entry for this variant (Variation ID: 579769). Invitae Evidence Modeling of protein sequence and biophysical properties (such as structural, functional, and spatial information, amino acid conservation, physicochemical variation, residue mobility, and thermodynamic stability) indicates that this missense variant is expected to disrupt LIMS2 protein function with a positive predictive value of 80%. In summary, the available evidence is currently insufficient to determine the role of this variant in disease. Therefore, it has been classified as a Variant of Uncertain Significance.

NM_001161403.3(LIMS2):c.589A>T (p.Ile197Phe)

Gene: LIMS2 (LIM zinc finger domain containing 2; minus strand). Cytogenetic location: 2q14.3.
Variant type: single nucleotide variant.
Coding change: c.589A>T on transcript NM_001161403.3 (MANE Select); coding-DNA position 589, A replaced by T.
Protein change: p.Ile197Phe; replaces isoleucine 197 with phenylalanine.
Molecular consequence: missense variant.
Genome position (GRCh38, 1-based): chr2:127,642,120, T>A on the plus strand (A>T on the coding strand, the complement: LIMS2 is on the minus strand). VCF-style: chr2-127642120-T-A. GRCh37 (hg19) VCF-style: chr2-128399695-T-A.
Other names: c.655A>T, p.Ile219Phe (NM_001136037.4); c.574A>T, p.Ile192Phe (NM_001161404.2); c.133A>T, p.Ile45Phe (NM_001256542.2); c.661A>T, p.Ile221Phe (NM_017980.5); short protein forms I192F, I221F, I197F, I219F, I45F.
Identifiers: ClinVar variation 579769 (VCV000579769.9), dbSNP rs1558868736, ClinGen allele CA348425203.